The following is an entry in ClinVar:

NM_147127.5(EVC2):c.893del (p.His298fs)

Gene: EVC2 (EvC ciliary complex subunit 2; minus strand). Cytogenetic location: 4p16.2.
Variant type: Deletion.
Coding change: c.893del on transcript NM_147127.5 (MANE Select); coding-DNA position 893, one base deleted (A; older notation c.893delA).
Protein change: p.His298fs; shifts the reading frame from histidine 298.
Molecular consequence: frameshift variant.
Genome position (GRCh38, 1-based): chr4:5,665,627, T deleted on the plus strand (A on the coding strand, the reverse complement: EVC2 is on the minus strand). VCF-style (leftmost placement, unchanged base first): chr4-5665626-GT-G. GRCh37 (hg19) VCF-style: chr4-5667353-GT-G.
Other names: c.653del, p.His218fs (NM_001166136.2); short protein forms H218fs, H298fs.
Identifiers: ClinVar variation 552689 (VCV000552689.6), dbSNP rs777505711, ClinGen allele CA2835235.
Genomic context (GRCh38, chr4:5,665,626, plus strand): 5'-GAAGAGGGCAGCCCAGGTCAGCACAAGGGAGAGGAGGAAGGCAATGAAGAACCCTGCTGC[GT>G]GGAGGCCGTGGTGCGGCAGAACCTGTGGAGACAAGAGGAGAGCAGGATTCATGTGTGGTC-3'

ClinVar aggregate classification (germline): Pathogenic/Likely pathogenic. Review status: criteria provided, multiple submitters, no conflicts (2 of 4 stars). 3 submissions from 3 submitters: Pathogenic (1); Likely pathogenic (1). 1 of the submissions does not count toward it. Last evaluated 2023-11-22.

Conditions:
Curry-Hall syndrome (WAD). Also called: WEYERS ACRODENTAL DYSOSTOSIS. Identifiers: Orphanet 952, MedGen C0457013, MONDO:0008673, OMIM 193530.
Ellis-van Creveld syndrome (EVC). Also called: EVC2-Related Ellis-van Creveld Syndrome; EVC-Related Ellis-van Creveld Syndrome; MESOECTODERMAL DYSPLASIA; Chondroectodermal dysplasia. Identifiers: Orphanet 289, MedGen C0013903, MONDO:0009162, OMIM 225500.

Allele frequency attached by ClinVar (database versions not stated): TOPMed below 0.00001; ExAC 0.00001; gnomAD exomes 0.00001.

Submissions (3):

Labcorp Genetics (formerly Invitae), Labcorp
Classification: Pathogenic for Curry-Hall syndrome; Ellis-van Creveld syndrome. Last evaluated: 2023-11-22. Review status: criteria provided, single submitter. Criteria: Invitae Variant Classification Sherloc (09022015). Collection method: clinical testing. Allele origin: germline.
Comment: This sequence change creates a premature translational stop signal (p.His298Profs*15) in the EVC2 gene. It is expected to result in an absent or disrupted protein product. Loss-of-function variants in EVC2 are known to be pathogenic (PMID: 17024374, 19810119, 19876929). This variant is present in population databases (rs777505711, gnomAD 0.003%). This premature translational stop signal has been observed in individual(s) with Ellis-van Creveld syndrome (PMID: 17024374). ClinVar contains an entry for this variant (Variation ID: 552689). For these reasons, this variant has been classified as Pathogenic.

Fulgent Genetics
Classification: Likely pathogenic for Curry-Hall syndrome; Ellis-van Creveld syndrome. Last evaluated: 2022-03-03. Review status: criteria provided, single submitter. Criteria: ACMG Guidelines, 2015. Collection method: clinical testing. Allele origin: unknown.

Counsyl
Classification: Likely pathogenic for Ellis-van Creveld syndrome. Last evaluated: 2017-06-30. Review status: no assertion criteria provided. Collection method: clinical testing. Allele origin: unknown. Not counted in ClinVar's aggregate classification.

Literature cited by the submitters: PubMed 17024374 (cited by Labcorp Genetics (formerly Invitae), Labcorp and Counsyl); PubMed 19810119 (cited by Labcorp Genetics (formerly Invitae), Labcorp); PubMed 19876929 (cited by Labcorp Genetics (formerly Invitae), Labcorp).